The following is an entry in ClinVar:

ClinVar aggregate classification (germline): Uncertain significance (1 of 4 stars; one submission).

Submission:

GeneDx
Classification: Uncertain significance. Last evaluated: 2023-06-21. Review status: criteria provided, single submitter. Criteria: GeneDx Variant Classification Process June 2021. Collection method: clinical testing. Allele origin: germline. Affected: yes.
Comment: Not observed at significant frequency in large population cohorts (gnomAD); Missense variants in this gene are often considered pathogenic (HGMD); In silico analysis supports that this missense variant does not alter protein structure/function; Has not been previously published as pathogenic or benign to our knowledge; This variant is associated with the following publications: (PMID: 29493581)

NM_005633.4(SOS1):c.508A>C (p.Lys170Gln)

Gene: SOS1 (SOS Ras/Rac guanine nucleotide exchange factor 1; minus strand). Cytogenetic location: 2p22.1.
Variant type: single nucleotide variant.
Coding change: c.508A>C on transcript NM_005633.4 (MANE Select); coding-DNA position 508, A replaced by C.
Protein change: p.Lys170Gln; replaces lysine 170 with glutamine.
Molecular consequence: missense variant.
Genome position (GRCh38, 1-based): chr2:39,056,704, T>G on the plus strand (A>C on the coding strand, the complement: SOS1 is on the minus strand). VCF-style: chr2-39056704-T-G. GRCh37 (hg19) VCF-style: chr2-39283845-T-G.
Other names: c.487A>C, p.Lys163Gln (NM_001382394.1); c.508A>C, p.Lys170Gln (NM_001382395.1); short protein forms K163Q, K170Q.
Identifiers: ClinVar variation 2443406 (VCV002443406.2), dbSNP rs397517172, ClinGen allele CA346373390.